The following is an entry in ClinVar:

NM_015178.3(RHOBTB2):c.1148G>T (p.Gly383Val)

Gene: RHOBTB2 (Rho related BTB domain containing 2; plus strand). Cytogenetic location: 8p21.3.
Variant type: single nucleotide variant.
Coding change: c.1148G>T on transcript NM_015178.3 (MANE Select); coding-DNA position 1148, G replaced by T.
Protein change: p.Gly383Val; replaces glycine 383 with valine.
Molecular consequence: missense variant.
Genome position (GRCh38, 1-based): chr8:23,007,393, G>T. VCF-style: chr8-23007393-G-T. GRCh37 (hg19) VCF-style: chr8-22864906-G-T.
Other names: c.1214G>T, p.Gly405Val (NM_001160036.2); c.1169G>T, p.Gly390Val (NM_001160037.2); c.1148G>T, p.Gly383Val (NM_001374791.1); short protein forms G383V, G405V, G390V.
Identifiers: ClinVar variation 2990716 (VCV002990716.3), dbSNP rs912492615, ClinGen allele CA173877377.

ClinVar aggregate classification (germline): Uncertain significance (1 of 4 stars; one submission).

Allele frequency attached by ClinVar (database versions not stated): TOPMed 0.00003; gnomAD 0.00001.
gnomAD v4.1: 2 of 1,614,064 alleles (0.00012%); highest among the groups gnomAD compares: Admixed American, 0.0033%; no homozygotes.

Submission:

Labcorp Genetics (formerly Invitae), Labcorp
Classification: Uncertain significance. Last evaluated: 2025-03-10. Review status: criteria provided, single submitter. Criteria: Invitae Variant Classification Sherloc (09022015). Collection method: clinical testing. Allele origin: germline.
Comment: This sequence change replaces glycine, which is neutral and non-polar, with valine, which is neutral and non-polar, at codon 405 of the RHOBTB2 protein (p.Gly405Val). This variant is present in population databases (no rsID available, gnomAD 0.003%). This variant has not been reported in the literature in individuals affected with RHOBTB2-related conditions. ClinVar contains an entry for this variant (Variation ID: 2990716). Invitae Evidence Modeling of protein sequence and biophysical properties (such as structural, functional, and spatial information, amino acid conservation, physicochemical variation, residue mobility, and thermodynamic stability) indicates that this missense variant is not expected to disrupt RHOBTB2 protein function with a negative predictive value of 80%. In summary, the available evidence is currently insufficient to determine the role of this variant in disease. Therefore, it has been classified as a Variant of Uncertain Significance.